The following is an entry in ClinVar:

NM_001145860.2(POP1):c.2013G>C (p.Leu671=)

Gene: POP1 (POP1 ribonuclease P/MRP subunit; plus strand). Cytogenetic location: 8q22.2.
Variant type: single nucleotide variant.
Coding change: c.2013G>C on transcript NM_001145860.2 (MANE Select); coding-DNA position 2013, G replaced by C.
Protein change: p.Leu671=; no amino-acid change (leucine 671 retained).
Molecular consequence: synonymous variant.
Genome position (GRCh38, 1-based): chr8:98,150,595, G>C. VCF-style: chr8-98150595-G-C. GRCh37 (hg19) VCF-style: chr8-99162823-G-C.
Other names: c.2013G>C, p.Leu671= (NM_001145861.2, NM_015029.3).
Identifiers: ClinVar variation 775088 (VCV000775088.28), dbSNP rs142987843, ClinGen allele CA4820747.

ClinVar aggregate classification (germline): Benign/Likely benign. Review status: criteria provided, multiple submitters, no conflicts (2 of 4 stars). 3 submissions from 3 submitters: Benign (2); Likely benign (1). Last evaluated 2026-02-01.

Allele frequency attached by ClinVar (database versions not stated): gnomAD exomes 0.00690 and 0.00444; 1000 Genomes Project 30x 0.00172; 1000 Genomes Project 0.00180; TOPMed 0.00405; ExAC 0.00419; gnomAD 0.00423 and 0.00429; ESP Exome Variant Server 0.00446.
gnomAD v4.1: 10,743 of 1,614,198 alleles (0.67%); highest among the groups gnomAD compares: Non-Finnish European, 0.8%; 40 homozygotes.

Submissions (3):

Labcorp Genetics (formerly Invitae), Labcorp
Classification: Benign. Last evaluated: 2026-02-01. Review status: criteria provided, single submitter. Criteria: Invitae Variant Classification Sherloc (09022015). Collection method: clinical testing. Allele origin: germline.

CeGaT Center for Human Genetics Tuebingen
Classification: Likely benign. Last evaluated: 2025-09-01. Review status: criteria provided, single submitter. Criteria: CeGaT Center For Human Genetics Tuebingen Variant Classification Criteria Version 2. Collection method: clinical testing. Allele origin: germline. Affected: yes. Observed: 2 variant alleles.
Comment: POP1: BP4, BP7, BS2

Breakthrough Genomics
Classification: Benign. Review status: criteria provided, single submitter. Criteria: ACMG Guidelines, 2015. Collection method: not provided. Allele origin: germline. Inheritance: Autosomal recessive inheritance. Affected: yes.